The following is an entry in ClinVar:

NM_000355.4(TCN2):c.159C>T (p.Ser53=)

Gene: TCN2 (transcobalamin 2; plus strand). Cytogenetic location: 22q12.2.
Variant type: single nucleotide variant.
Coding change: c.159C>T on transcript NM_000355.4 (MANE Select); coding-DNA position 159, C replaced by T.
Protein change: p.Ser53=; no amino-acid change (serine 53 retained).
Molecular consequence: synonymous variant.
Genome position (GRCh38, 1-based): chr22:30,610,965, C>T. VCF-style: chr22-30610965-C-T. GRCh37 (hg19) VCF-style: chr22-31006952-C-T.
Other names: c.159C>T, p.Ser53= (NM_001184726.2).
Identifiers: ClinVar variation 2154707 (VCV002154707.5), dbSNP rs771569755, ClinGen allele CA10184501.

ClinVar aggregate classification (germline): Likely benign. Review status: criteria provided, multiple submitters, no conflicts (2 of 4 stars). 2 submissions from 2 submitters: Likely benign (2). Last evaluated 2026-07-01.

Conditions:
Transcobalamin II deficiency (TCN2D). Also called: Transcolabamin II deficiency; TC II DEFICIENCY; TCN2 DEFICIENCY. Identifiers: Orphanet 859, MedGen C0342701, MONDO:0010149, OMIM 275350.

Allele frequency attached by ClinVar (database versions not stated): TOPMed 0.00001; ExAC 0.00002.
gnomAD v4.1: 14 of 1,614,218 alleles (0.00087%); highest among the groups gnomAD compares: South Asian, 0.013%; no homozygotes.

Submissions (2):

CeGaT Center for Human Genetics Tuebingen
Classification: Likely benign. Last evaluated: 2026-07-01. Review status: criteria provided, single submitter. Criteria: CeGaT Center For Human Genetics Tuebingen Variant Classification Criteria Version 2. Collection method: clinical testing. Allele origin: germline. Affected: yes. Observed: 1 variant allele.
Comment: TCN2: BP4

Labcorp Genetics (formerly Invitae), Labcorp
Classification: Likely benign for Transcobalamin II deficiency. Last evaluated: 2024-02-09. Review status: criteria provided, single submitter. Criteria: Invitae Variant Classification Sherloc (09022015). Collection method: clinical testing. Allele origin: germline.